The following is an entry in ClinVar:

ClinVar aggregate classification (germline): Uncertain significance. Review status: criteria provided, multiple submitters, no conflicts (2 of 4 stars). 3 submissions from 3 submitters: Uncertain significance (3). Last evaluated 2026-09-05.

Conditions:
Autosomal dominant nonsyndromic hearing loss 65. Also called: TBC1D24-Related Autosomal Dominant Nonsyndromic Hearing Loss (DFNA); Deafness, autosomal dominant 65. Identifiers: Orphanet 90635, MedGen C3892048, MONDO:0014470, OMIM 616044.
Developmental and epileptic encephalopathy, 1 (DEE1). Also called: Epileptic encephalopathy, early infantile, 1; X-linked infantile spasms; West's syndrome; Tonic spasms with clustering, arrest of psychomotor development and hypsarrhythmia on EEG; X-Linked Infantile Spasm Syndrome; OHTAHARA SYNDROME, X-LINKED. Identifiers: MedGen C3463992, MONDO:0010632, OMIM 308350. Disease mechanism: loss of function.
TBC1D24-related disorder. Also called: TBC1D24-related condition; TBC1D24-related disorders. Identifiers: MedGen CN381194.

Allele frequency attached by ClinVar (database versions not stated): gnomAD exomes 0.00001; gnomAD 0.00002; TOPMed 0.00002.

Submissions (3):

GeneDx
Classification: Uncertain significance. Last evaluated: 2026-09-05. Review status: criteria provided, single submitter. Criteria: GeneDx Variant Classification Process June 2021. Collection method: clinical testing. Allele origin: germline.
Comment: Not observed at significant frequency in large population cohorts (gnomAD); In silico analysis suggests that this missense variant does not alter protein structure/function; Has not been previously published as pathogenic or benign to our knowledge

PreventionGenetics, part of Exact Sciences
Classification: Uncertain significance for TBC1D24-related condition. Last evaluated: 2026-06-16. Review status: criteria provided, single submitter. Criteria: ACMG Guidelines, 2015. Collection method: clinical testing. Allele origin: germline.
Comment: The TBC1D24 c.622G>A variant is predicted to result in the amino acid substitution p.Val208Ile. To our knowledge, this variant has not been reported in the literature. This variant is reported in 0.0023% of alleles in individuals of European (Non-Finnish) descent in gnomAD. At this time, the clinical significance of this variant is uncertain due to the absence of conclusive functional and genetic evidence.

Labcorp Genetics (formerly Invitae), Labcorp
Classification: Uncertain significance for Developmental and epileptic encephalopathy, 1; Autosomal dominant nonsyndromic hearing loss 65. Last evaluated: 2024-10-29. Review status: criteria provided, single submitter. Criteria: Invitae Variant Classification Sherloc (09022015). Collection method: clinical testing. Allele origin: germline.
Comment: This sequence change replaces valine, which is neutral and non-polar, with isoleucine, which is neutral and non-polar, at codon 208 of the TBC1D24 protein (p.Val208Ile). This variant is present in population databases (no rsID available, gnomAD 0.003%). This variant has not been reported in the literature in individuals affected with TBC1D24-related conditions. ClinVar contains an entry for this variant (Variation ID: 572484). Invitae Evidence Modeling of protein sequence and biophysical properties (such as structural, functional, and spatial information, amino acid conservation, physicochemical variation, residue mobility, and thermodynamic stability) indicates that this missense variant is not expected to disrupt TBC1D24 protein function with a negative predictive value of 80%. In summary, the available evidence is currently insufficient to determine the role of this variant in disease. Therefore, it has been classified as a Variant of Uncertain Significance.

NM_001199107.2(TBC1D24):c.622G>A (p.Val208Ile)

Gene: TBC1D24 (TBC1 domain family member 24; plus strand). Cytogenetic location: 16p13.3.
Variant type: single nucleotide variant.
Coding change: c.622G>A on transcript NM_001199107.2 (MANE Select); coding-DNA position 622, G replaced by A.
Protein change: p.Val208Ile; replaces valine 208 with isoleucine.
Molecular consequence: missense variant.
Genome position (GRCh38, 1-based): chr16:2,496,770, G>A. VCF-style: chr16-2496770-G-A. GRCh37 (hg19) VCF-style: chr16-2546771-G-A.
Other names: c.622G>A, p.Val208Ile (NM_020705.3); short protein forms V208I.
Identifiers: ClinVar variation 572484 (VCV000572484.15), dbSNP rs1355375251, ClinGen allele CA394376768.